The following is an entry in ClinVar:

ClinVar aggregate classification (germline): Uncertain significance (1 of 4 stars; one submission).

Conditions:
CC2D2A-related disorder. Also called: CC2D2A-related condition; CC2D2A-related disorders. Identifiers: MedGen CN239313.

gnomAD v4.1: 8 of 1,612,314 alleles (0.0005%); highest among the groups gnomAD compares: Admixed American, 0.013%; no homozygotes.

Submission:

PreventionGenetics, part of Exact Sciences
Classification: Uncertain significance for CC2D2A-related condition. Last evaluated: 2026-04-24. Review status: criteria provided, single submitter. Criteria: ACMG Guidelines, 2015. Collection method: clinical testing. Allele origin: germline.
Comment: The CC2D2A c.1441A>G variant is predicted to result in the amino acid substitution p.Ile481Val. To our knowledge, this variant has not been reported in the literature. This variant is reported in 0.021% of alleles in individuals of Latino descent in gnomAD. At this time, the clinical significance of this variant is uncertain due to the absence of conclusive functional and genetic evidence.

NM_001378615.1(CC2D2A):c.1441A>G (p.Ile481Val)

Genes: CC2D2A (coiled-coil and C2 domain containing 2A; plus strand), FBXL5 (F-box and leucine rich repeat protein 5; minus strand). Cytogenetic location: 4p15.32.
Variant type: single nucleotide variant.
Coding change: c.1441A>G on transcript NM_001378615.1 (MANE Select); coding-DNA position 1441, A replaced by G.
Protein change: p.Ile481Val; replaces isoleucine 481 with valine.
Molecular consequence: missense variant.
Genome position (GRCh38, 1-based): chr4:15,528,701, A>G. VCF-style: chr4-15528701-A-G. GRCh37 (hg19) VCF-style: chr4-15530324-A-G.
Other names: c.1441A>G, p.Ile481Val (NM_001080522.2); c.1294A>G, p.Ile432Val (NM_001378617.1); short protein forms I432V, I481V.
Identifiers: ClinVar variation 4988506 (VCV004988506.1).